The following is an entry in ClinVar:

NM_000059.4(BRCA2):c.4301A>T (p.Lys1434Ile)

Gene: BRCA2 (BRCA2 DNA repair associated; plus strand). Cytogenetic location: 13q13.1.
Variant type: single nucleotide variant.
Coding change: c.4301A>T on transcript NM_000059.4 (MANE Select); coding-DNA position 4301, A replaced by T.
Protein change: p.Lys1434Ile; replaces lysine 1434 with isoleucine.
Molecular consequence: missense variant.
Genome position (GRCh38, 1-based): chr13:32,338,656, A>T. VCF-style: chr13-32338656-A-T. GRCh37 (hg19) VCF-style: chr13-32912793-A-T.
Other names: short protein forms K1434I.
Identifiers: ClinVar variation 51628 (VCV000051628.36), dbSNP rs397507714, ClinGen allele CA019939.

ClinVar aggregate classification (germline): Conflicting classifications of pathogenicity. Review status: criteria provided, conflicting classifications (1 of 4 stars). 9 submissions from 9 submitters: Uncertain significance (1); Likely benign (8). Last evaluated 2026-05-01.

Conditions:
BRCA2-related cancer predisposition. Identifiers: MedGen CN377758, MONDO:0700269.
Hereditary cancer-predisposing syndrome. Also called: Hereditary Cancer Syndrome; Tumor predisposition; Neoplastic Syndromes, Hereditary; Hereditary neoplastic syndrome. Identifiers: Orphanet 140162, MedGen C0027672, MeSH D009386, MONDO:0015356.
Hereditary breast ovarian cancer syndrome. Also called: Breast and ovarian cancer; BRCA1- and BRCA2-Associated Hereditary Breast and Ovarian Cancer; Hereditary breast and ovarian cancer; Hereditary breast and ovarian cancer syndrome (HBOC); Hereditary breast and ovarian cancer syndrome; Hereditary breast and/or ovarian cancer syndrome. Identifiers: Orphanet 145, MedGen C0677776, MeSH D061325, MONDO:0003582. Disease mechanism: loss of function.

Allele frequency attached by ClinVar (database versions not stated): gnomAD exomes 0.00001 and 0.00002; TOPMed 0.00002; gnomAD 0.00003.
gnomAD v4.1: 25 of 1,596,866 alleles (0.0016%); highest among the groups gnomAD compares: Non-Finnish European, 0.0021%; no homozygotes.

Submissions (9):

CeGaT Center for Human Genetics Tuebingen
Classification: Likely benign. Last evaluated: 2026-05-01. Review status: criteria provided, single submitter. Criteria: CeGaT Center For Human Genetics Tuebingen Variant Classification Criteria Version 2. Collection method: clinical testing. Allele origin: germline. Affected: yes. Observed: 2 variant alleles.
Comment: BRCA2: BS3:Supporting

Labcorp Genetics (formerly Invitae), Labcorp
Classification: Likely benign for Hereditary breast ovarian cancer syndrome. Last evaluated: 2026-01-14. Review status: criteria provided, single submitter. Criteria: Invitae Variant Classification Sherloc (09022015). Collection method: clinical testing. Allele origin: germline.

Women's Health and Genetics/Laboratory Corporation of America, LabCorp
Classification: Likely benign. Last evaluated: 2025-01-13. Review status: criteria provided, single submitter. Criteria: LabCorp Variant Classification Summary - May 2015. Collection method: clinical testing. Allele origin: germline.
Comment: Variant summary: BRCA2 c.4301A>T (p.Lys1434Ile) results in a non-conservative amino acid change located in the BRCA2 repeat (IPR002093) of the encoded protein sequence. Five of five in-silico tools predict a damaging effect of the variant on protein function. The variant allele was found at a frequency of 8.2e-06 in 243736 control chromosomes (gnomAD). The available data on variant occurrences in the general population are insufficient to allow any conclusion about variant significance. c.4301A>T has been reported in the literature in individuals affected with breast cancer and in multifactorial probability studies that reported a neutral outcome (example: Michils_2012, Lindor_2012). These report(s) do not provide unequivocal conclusions about association of the variant with hereditary breast and ovarian cancer syndrome. At least one publication reports experimental evidence evaluating an impact on protein function. The most pronounced variant effect results in ability to complement the cell lethal phenotype induced by loss of endogenous mouse BRCA2, approximately 83% homology directed repair (HDR activity), and resistant to DNA damaging agents such as cisplatin (example: Mesman_2018). The following publications have been ascertained in the context of this evaluation (PMID: 21990134, 23034506, 29988080). ClinVar contains an entry for this variant (Variation ID: 51628). Based on the evidence outlined above, the variant was classified as likely benign.

All of Us Research Program, National Institutes of Health
Classification: Likely benign for BRCA2-related cancer predisposition. Last evaluated: 2024-03-05. Review status: criteria provided, single submitter. Criteria: ACMG Guidelines, 2015. Collection method: clinical testing. Allele origin: germline. Inheritance: Autosomal dominant inheritance. Observed: 6 variant alleles, 6 heterozygotes.
Comment: This study involves interpretation of variants in research participants for the purpose of population health screening. Participant phenotype was not available at the time of variant classification. Additional details can be found in publication PMID: 35346344, PMCID: PMC8962531

University of Washington Department of Laboratory Medicine, University of Washington
Classification: Likely benign for Hereditary cancer-predisposing syndrome. Last evaluated: 2023-03-23. Review status: criteria provided, single submitter. Criteria: Dines et al. (Genet Med. 2020). Collection method: curation. Allele origin: germline.
Comment: Missense variant in a coldspot region where missense variants are very unlikely to be pathogenic (PMID:31911673).

BRCA2 exon 11 coldspot. Reclassification based on statistical prior probability.

Institute for Clinical Genetics, University Hospital TU Dresden, University Hospital TU Dresden
Classification: Uncertain significance. Last evaluated: 2021-11-03. Review status: criteria provided, single submitter. Criteria: ACMG Guidelines, 2015. Collection method: clinical testing. Allele origin: germline.

Quest Diagnostics Nichols Institute San Juan Capistrano
Classification: Likely benign. Last evaluated: 2021-05-18. Review status: criteria provided, single submitter. Criteria: Quest Diagnostics criteria. Collection method: clinical testing. Allele origin: unknown.

Ambry Genetics
Classification: Likely benign for Hereditary cancer-predisposing syndrome. Last evaluated: 2018-09-30. Review status: criteria provided, single submitter. Criteria: Ambry Variant Classification Scheme 2023. Collection method: clinical testing. Allele origin: germline.

Color Diagnostics, LLC DBA Color Health
Classification: Likely benign for Hereditary cancer-predisposing syndrome. Last evaluated: 2017-05-04. Review status: criteria provided, single submitter. Criteria: ACMG Guidelines, 2015. Collection method: clinical testing. Allele origin: germline.

Literature cited by the submitters: PubMed 21990134 (cited by 3 submitters); PubMed 23034506 (cited by Women's Health and Genetics/Laboratory Corporation of America, LabCorp and Quest Diagnostics Nichols Institute San Juan Capistrano); PubMed 29988080 (cited by Women's Health and Genetics/Laboratory Corporation of America, LabCorp and Quest Diagnostics Nichols Institute San Juan Capistrano); PubMed 18824701 (cited by Quest Diagnostics Nichols Institute San Juan Capistrano); PubMed 23231788 (cited by Quest Diagnostics Nichols Institute San Juan Capistrano and Ambry Genetics); PubMed 23749302 (cited by Quest Diagnostics Nichols Institute San Juan Capistrano); PubMed 16683254 (cited by Quest Diagnostics Nichols Institute San Juan Capistrano); PubMed 25356972 (cited by Quest Diagnostics Nichols Institute San Juan Capistrano).